The following is an entry in ClinVar:

ClinVar aggregate classification (germline): Pathogenic. Review status: criteria provided, multiple submitters, no conflicts (2 of 4 stars). 9 submissions from 9 submitters: Pathogenic (7). 2 of the submissions do not count toward it. Last evaluated 2026-01-25.

Conditions:
WFS1-related disorder. Identifiers: MedGen CN379391, MONDO:0700293.
Early-onset non-syndromic cataract. Also called: Age-related nuclear cataract; NUCLEAR SCLEROSIS OF THE LENS. Identifiers: Orphanet 91492, MedGen C1832423, MONDO:0011060, OMIM 601371, HP:0011142.
WFS1-Related Spectrum Disorders.
Rare genetic deafness. Identifiers: Orphanet 96210, MedGen C5680250.
Wolfram syndrome 1 (WFS1). Identifiers: Orphanet 3463, MedGen C4551693, MONDO:0009101, OMIM 222300.
Wolfram-like syndrome. Also called: HEARING LOSS, PROGRESSIVE, WITH OPTIC ATROPHY AND/OR IMPAIRED GLUCOSE REGULATION. Identifiers: Orphanet 411590, MedGen C3280358, MONDO:0013673, OMIM 614296.
Autosomal dominant nonsyndromic hearing loss 6 (LFSNHL). Also called: DEAFNESS, AUTOSOMAL DOMINANT 6; DEAFNESS, AUTOSOMAL DOMINANT 14; DEAFNESS, AUTOSOMAL DOMINANT 38; Autosomal dominant nonsyndromic deafness 6. Identifiers: Orphanet 90635, MedGen C1833021, MONDO:0010963, OMIM 600965.
Type 2 diabetes mellitus. Also called: Type II diabetes mellitus. Identifiers: MedGen C0011860, MeSH D003924, MONDO:0005148, OMIM 125853, HP:0005978.
Cataract 41 (CTRCT41). Also called: CATARACT 41, CONGENITAL NUCLEAR TYPE. Identifiers: Orphanet 91492, Orphanet 98991, Orphanet 98992, Orphanet 98995, MedGen C3805412, MONDO:0007287, OMIM 116400.

Submissions (9):

Labcorp Genetics (formerly Invitae), Labcorp
Classification: Pathogenic. Last evaluated: 2026-01-25. Review status: criteria provided, single submitter. Criteria: Invitae Variant Classification Sherloc (09022015). Collection method: clinical testing. Allele origin: germline.
Comment: This variant, c.1243_1245del, results in the deletion of 1 amino acid(s) of the WFS1 protein (p.Val415del), but otherwise preserves the integrity of the reading frame. This variant is present in population databases (rs750767821, gnomAD 0.03%). This variant has been observed in individual(s) with autosomal recessive Wolfram syndrome (PMID: 10521293, 21067485, 27617222, 31600780). In at least one individual the data is consistent with being in trans (on the opposite chromosome) from a pathogenic variant. It has also been observed to segregate with disease in related individuals. ClinVar contains an entry for this variant (Variation ID: 215406). For these reasons, this variant has been classified as Pathogenic.

Genetics Department, University Hospital of Toulouse
Classification: Pathogenic for Early-onset non-syndromic cataract. Last evaluated: 2025-10-05. Review status: criteria provided, single submitter. Criteria: ACMG Guidelines, 2015. Collection method: clinical testing. Allele origin: maternal. Affected: yes. Observed: 2 variant alleles.
Comment: The NM_006005.3:c.1243_1245del p.(Val415del) variant deletes a conserved amino acid. A variant affecting the same amino acid has been previously described as pathogenic in a family with autosomal dominant cataract (Krutish et al 2024; PMID:36781206)

Fulgent Genetics
Classification: Pathogenic for Cataract 41; Type 2 diabetes mellitus; Wolfram syndrome 1; Autosomal dominant nonsyndromic hearing loss 6; Wolfram-like syndrome. Last evaluated: 2024-04-04. Review status: criteria provided, single submitter. Criteria: ACMG Guidelines, 2015. Collection method: clinical testing. Allele origin: germline.

GeneDx
Classification: Pathogenic. Last evaluated: 2022-10-11. Review status: criteria provided, single submitter. Criteria: GeneDx Variant Classification Process June 2021. Collection method: clinical testing. Allele origin: germline. Affected: yes.
Comment: Published functional studies demonstrate a damaging effect resulting in decreased wolframin expression compared to the wildtype (Rendtorff et al., 2011); In-frame deletion of 1 amino acid in a non-repeat region predicted to critically alter the protein; In silico analysis supports a deleterious effect on protein structure/function; This variant is associated with the following publications: (PMID: 21067485, 28432734, 16151413, 21446023, 15277431, 18806274, 21538838, 10521293, 21602428, 8808601, 27617222, 19042979, 23429432, 31600780)

Dasa
Classification: Pathogenic. Last evaluated: 2022-03-05. Review status: criteria provided, single submitter. Criteria: ACMG Guidelines, 2015. Collection method: clinical testing. Allele origin: germline. Affected: yes. Observed: 1 variant allele.
Comment: Well-established in vitro or in vivo functional studies supportive of a damaging effect on the gene or gene product (PMID: 21538838) - PS3_supporting. This sequence change has been observed in affected individual(s) and ClinVar contains an entry for this variant (ClinVar ID: 215406; PMID: 27617222; PMID: 23429432; PMID: 19042979) - PS4. The variant is present at low allele frequencies population databases (rs863224265 – gnomAD 0.0008545%; ABraOM no frequency) - PM2_supporting. The p.(Val415del) was detected in trans with a pathogenic variant (PMID: 27617222; PMID: 19042979) - PM3. Protein length variants as a result of in-frame deletions/insertions in a nonrepeat region or stop-loss variants - PM4. The variant co-segregated with disease in multiple affected family members (PMID: 27617222) - PP1. In summary, the currently available evidence indicates that the variant is pathogenic.

Blueprint Genetics
Classification: Pathogenic for WFS1-related disorders. Last evaluated: 2021-03-01. Review status: criteria provided, single submitter. Criteria: ACMG Guidelines, 2015. Collection method: clinical testing. Allele origin: germline. Affected: yes. Observed: 2 variant alleles.

Laboratory for Molecular Medicine, Mass General Brigham Personalized Medicine
Classification: Pathogenic for Rare genetic deafness. Last evaluated: 2017-04-14. Review status: criteria provided, single submitter. Criteria: LMM Criteria. Collection method: clinical testing. Allele origin: germline. Inheritance: Autosomal recessive inheritance. Observed: 1 variant allele.
Comment: The p.Val415del variant in WFS1 has been reported in >10 individuals with Wolfra m syndrome (Hardy 1999, Smith 2004, Hansen 2005, Gasparin 2009, Chaussenot 2011, Rohayem 2011, Rendtorff 2011, de Heredia ML 2013, Bodoor 2016) and segregated i n 7 affected relatives (Hardy 1999, Hansen 2005, Gasparin 2009, Rendtorff 2011, Bodoor 2016). All of these individuals were homozygous or compound heterozygous. This variant has also been reported in ClinVar (Variation ID: 215406). This var iant was identified in 9/33582 Latino chromosomes by the Genome Aggregation Data base (gnomAD; dbSNP rs750767821); however, its frequency is low enough to be consistent with a recessive carrier frequency. In addition, in vitro studies suggest that the p.Val415del variant may impact expr ession of WFS1 (Rendtorff 2011). In summary, this variant meets criteria to be c lassified as pathogenic for autosomal recessive Wolfram syndrome based upon repo rted familial cases, low frequency in controls, and functional evidence.

PreventionGenetics, part of Exact Sciences
Classification: Pathogenic for WFS1-related condition. Last evaluated: 2024-02-23. Review status: no assertion criteria provided. Collection method: clinical testing. Allele origin: germline. Not counted in ClinVar's aggregate classification.
Comment: The WFS1 c.1243_1245delGTC variant is predicted to result in an in-frame deletion (p.Val415del). This sequence variant has been documented to be causative for Wolfram syndrome (Hardy et al. 1999. PubMed ID: 10521293; Smith et al. 2004. PubMed ID: 15277431; Hansen et al. 2005. PubMed ID: 16151413; Gasparin et al. 2009. PubMed ID: 19042979; Marshall et al. 2013. PubMed ID: 23981289). This variant is reported in 0.026% of alleles in individuals of Latino descent in gnomAD. This variant is interpreted as pathogenic.

OMIM
Classification: Pathogenic for WOLFRAM SYNDROME 1. Last evaluated: 2011-06-01. Review status: no assertion criteria provided. Collection method: literature only. Allele origin: germline. Not counted in ClinVar's aggregate classification.

Literature cited by the submitters: PubMed 10521293 (cited by Labcorp Genetics (formerly Invitae), Labcorp and Laboratory for Molecular Medicine, Mass General Brigham Personalized Medicine); PubMed 21067485 (cited by Labcorp Genetics (formerly Invitae), Labcorp); PubMed 27617222 (cited by 3 submitters); PubMed 31600780 (cited by Labcorp Genetics (formerly Invitae), Labcorp); PubMed 36781206 (cited by Genetics Department, University Hospital of Toulouse); PubMed 21538838 (cited by 3 submitters); PubMed 23429432 (cited by Dasa and Laboratory for Molecular Medicine, Mass General Brigham Personalized Medicine); PubMed 19042979 (cited by Dasa and Laboratory for Molecular Medicine, Mass General Brigham Personalized Medicine); PubMed 16151413 (cited by Laboratory for Molecular Medicine, Mass General Brigham Personalized Medicine); PubMed 21446023 (cited by Laboratory for Molecular Medicine, Mass General Brigham Personalized Medicine); PubMed 21602428 (cited by Laboratory for Molecular Medicine, Mass General Brigham Personalized Medicine); PubMed 15277431 (cited by Laboratory for Molecular Medicine, Mass General Brigham Personalized Medicine).

NM_006005.3(WFS1):c.1243_1245del (p.Val415del)

Gene: WFS1 (wolframin ER transmembrane glycoprotein; plus strand). Cytogenetic location: 4p16.1.
Variant type: Deletion.
Coding change: c.1243_1245del on transcript NM_006005.3 (MANE Select); coding-DNA positions 1243 to 1245, 3 bases deleted (GTC; older notation c.1243_1245delGTC).
Protein change: p.Val415del; deletes valine 415.
Molecular consequence: inframe deletion.
Genome position (GRCh38, 1-based): chr4:6,301,038-6,301,040, GTC deleted; deleting any 3 consecutive bases within chr4:6,301,036-6,301,040 gives the same sequence; the c. name uses the placement nearest the transcript's 3' end. VCF-style (leftmost placement, unchanged base first): chr4-6301035-TTCG-T. GRCh37 (hg19) VCF-style: chr4-6302762-TTCG-T.
Other names: WFS1, 3-BP DEL, VAL415DEL; c.1243_1245delGTC (NM_006005.3); c.1243_1245del, p.Val415del (NM_001145853.1); short protein forms V415del.
Identifiers: ClinVar variation 215406 (VCV000215406.26), dbSNP rs863224265, ClinGen allele CA324375.
Genomic context (GRCh38, chr4:6,301,035, plus strand): 5'-GAGGTCAACTTCGGCTGGAACCACCTGGAGCCCTATGCCCATTTCCTGCTCTCTGTCTTC[TTCG>T]TCATCTTCTCCTTCCCCATCGCCAGCAAGGACTGCATCCCCTGCTCGGAGCTGGCTGTCA-3'